The following is an entry in ClinVar:

ClinVar aggregate classification (germline): Uncertain significance (1 of 4 stars; one submission).

Allele frequency attached by ClinVar (database versions not stated): TOPMed 0.00001.

Submission:

Labcorp Genetics (formerly Invitae), Labcorp
Classification: Uncertain significance. Last evaluated: 2021-03-25. Review status: criteria provided, single submitter. Criteria: Invitae Variant Classification Sherloc (09022015). Collection method: clinical testing. Allele origin: germline.
Comment: This sequence change replaces methionine with threonine at codon 1067 of the RUSC2 protein (p.Met1067Thr). The methionine residue is moderately conserved and there is a moderate physicochemical difference between methionine and threonine. This variant is not present in population databases (ExAC no frequency). This variant has not been reported in the literature in individuals with RUSC2-related conditions. Algorithms developed to predict the effect of missense changes on protein structure and function output the following: SIFT: "Deleterious"; PolyPhen-2: "Benign"; Align-GVGD: "Class C0". The threonine amino acid residue is found in multiple mammalian species, suggesting that this missense change does not adversely affect protein function. These predictions have not been confirmed by published functional studies and their clinical significance is uncertain. In summary, the available evidence is currently insufficient to determine the role of this variant in disease. Therefore, it has been classified as a Variant of Uncertain Significance.

NM_014806.5(RUSC2):c.3200T>C (p.Met1067Thr)

Gene: RUSC2 (RUN and SH3 domain containing 2; plus strand). Cytogenetic location: 9p13.3.
Variant type: single nucleotide variant.
Coding change: c.3200T>C on transcript NM_014806.5 (MANE Select); coding-DNA position 3200, T replaced by C.
Protein change: p.Met1067Thr; replaces methionine 1067 with threonine.
Molecular consequence: missense variant. On other transcripts: non-coding transcript variant (1).
Genome position (GRCh38, 1-based): chr9:35,558,336, T>C. VCF-style: chr9-35558336-T-C. GRCh37 (hg19) VCF-style: chr9-35558333-T-C.
Other names: c.3200T>C, p.Met1067Thr (NM_001135999.2); c.566T>C, p.Met189Thr (NM_001330740.2); short protein forms M1067T, M189T.
Identifiers: ClinVar variation 1519525 (VCV001519525.8), dbSNP rs1420467894, ClinGen allele CA373348678.